The following is an entry in ClinVar:

ClinVar aggregate classification (germline): Likely benign (0 of 4 stars; one submission).

Conditions:
MEG3-related disorder. Also called: MEG3-related condition.

Allele frequency attached by ClinVar (database versions not stated): gnomAD 0.00142; TOPMed 0.00143; 1000 Genomes Project 30x 0.00203; 1000 Genomes Project 0.00240.

Submission:

PreventionGenetics, part of Exact Sciences
Classification: Likely benign for MEG3-related condition. Last evaluated: 2022-06-27. Review status: no assertion criteria provided. Collection method: clinical testing. Allele origin: germline.
Comment: This variant is classified as likely benign based on ACMG/AMP sequence variant interpretation guidelines (Richards et al. 2015 PMID: 25741868, with internal and published modifications).

NR_046473.1(MEG3):n.4868G>A

Gene: MEG3 (maternally expressed 3; plus strand). Cytogenetic location: 14q32.2.
Variant type: single nucleotide variant.
Molecular consequence: non-coding transcript variant (on NR_046473.1).
Genome position: GRCh38 VCF-style: chr14-100849484-G-A. GRCh37 (hg19) VCF-style: chr14-101315821-G-A.
Identifiers: ClinVar variation 3040103 (VCV003040103.2), dbSNP rs140305118, ClinGen allele CA266869668.